The following is an entry in ClinVar:

ClinVar aggregate classification (germline): Uncertain significance. Review status: criteria provided, multiple submitters, no conflicts (2 of 4 stars). 2 submissions from 2 submitters: Uncertain significance (2). Last evaluated 2024-03-02.

Conditions:
Hereditary cancer-predisposing syndrome. Also called: Hereditary neoplastic syndrome; Tumor predisposition; Neoplastic Syndromes, Hereditary; Hereditary Cancer Syndrome. Identifiers: Orphanet 140162, MedGen C0027672, MeSH D009386, MONDO:0015356.
Familial melanoma. Also called: Hereditary melanoma; Hereditary cutaneous melanoma. Identifiers: Orphanet 618, MedGen C1512419, MONDO:0018961.

Allele frequency attached by ClinVar (database versions not stated): gnomAD exomes below 0.00001.

Submissions (2):

Ambry Genetics
Classification: Uncertain significance for Hereditary cancer-predisposing syndrome. Last evaluated: 2024-03-02. Review status: criteria provided, single submitter. Criteria: Ambry Variant Classification Scheme 2023. Collection method: clinical testing. Allele origin: germline.
Comment: The p.R62Q variant (also known as c.185G>A), located in coding exon 1 of the CDK4 gene, results from a G to A substitution at nucleotide position 185. The arginine at codon 62 is replaced by glutamine, an amino acid with highly similar properties. This amino acid position is well conserved in available vertebrate species. In addition, this alteration is predicted to be tolerated by in silico analysis. Since supporting evidence is limited at this time, the clinical significance of this alteration remains unclear.

Labcorp Genetics (formerly Invitae), Labcorp
Classification: Uncertain significance for Familial melanoma. Last evaluated: 2024-02-26. Review status: criteria provided, single submitter. Criteria: Invitae Variant Classification Sherloc (09022015). Collection method: clinical testing. Allele origin: germline.
Comment: This sequence change replaces arginine, which is basic and polar, with glutamine, which is neutral and polar, at codon 62 of the CDK4 protein (p.Arg62Gln). This variant is not present in population databases (gnomAD no frequency). This variant has not been reported in the literature in individuals affected with CDK4-related conditions. ClinVar contains an entry for this variant (Variation ID: 657087). Advanced modeling of protein sequence and biophysical properties (such as structural, functional, and spatial information, amino acid conservation, physicochemical variation, residue mobility, and thermodynamic stability) performed at Invitae indicates that this missense variant is not expected to disrupt CDK4 protein function with a negative predictive value of 95%. In summary, the available evidence is currently insufficient to determine the role of this variant in disease. Therefore, it has been classified as a Variant of Uncertain Significance.

NM_000075.4(CDK4):c.185G>A (p.Arg62Gln)

Genes: CDK4 (cyclin dependent kinase 4; minus strand), LOC130008148 (ATAC-STARR-seq lymphoblastoid silent region 4588; plus strand). Cytogenetic location: 12q14.1.
Variant type: single nucleotide variant.
Coding change: c.185G>A on transcript NM_000075.4 (MANE Select); coding-DNA position 185, G replaced by A.
Protein change: p.Arg62Gln; replaces arginine 62 with glutamine.
Molecular consequence: missense variant.
Genome position (GRCh38, 1-based): chr12:57,751,533, C>T on the plus strand (G>A on the coding strand, the complement: CDK4 is on the minus strand). VCF-style: chr12-57751533-C-T. GRCh37 (hg19) VCF-style: chr12-58145316-C-T.
Other names: short protein forms R62Q.
Identifiers: ClinVar variation 657087 (VCV000657087.7), dbSNP rs1595110979, ClinGen allele CA385548544.